The following is an entry in ClinVar:

NM_001005361.3(DNM2):c.1493+16G>A

Gene: DNM2 (dynamin 2; plus strand). Cytogenetic location: 19p13.2.
Variant type: single nucleotide variant.
Coding change: c.1493+16G>A on transcript NM_001005361.3 (MANE Select); 16 bases into the intron after coding-DNA position 1493, G replaced by A.
Molecular consequence: intron variant.
Genome position (GRCh38, 1-based): chr19:10,802,374, G>A. VCF-style: chr19-10802374-G-A. GRCh37 (hg19) VCF-style: chr19-10913050-G-A.
Other names: c.1493+16G>A (NM_001005360.3, NM_001190716.2, NM_004945.4 and 1 more transcripts).
Identifiers: ClinVar variation 507094 (VCV000507094.1), dbSNP rs1446097383, ClinGen allele CA631744044.

ClinVar aggregate classification (germline): Likely benign (1 of 4 stars; one submission).

Allele frequency attached by ClinVar (database versions not stated): gnomAD exomes below 0.00001.
gnomAD v4.1: 5 of 1,614,052 alleles (0.00031%); highest among the groups gnomAD compares: Admixed American, 0.0033%; no homozygotes.

Submission:

GeneDx
Classification: Likely benign. Last evaluated: 2017-02-02. Review status: criteria provided, single submitter. Criteria: GeneDx Variant Classification (06012015). Collection method: clinical testing. Allele origin: germline. Affected: yes.
Comment: This variant is considered likely benign or benign based on one or more of the following criteria: it is a conservative change, it occurs at a poorly conserved position in the protein, it is predicted to be benign by multiple in silico algorithms, and/or has population frequency not consistent with disease.